The following is an entry in ClinVar:

NM_152564.5(VPS13B):c.8517del (p.Ser2840fs)

Gene: VPS13B (vacuolar protein sorting 13 homolog B; plus strand). Cytogenetic location: 8q22.2.
Variant type: Deletion.
Coding change: c.8517del on transcript NM_152564.5 (MANE Select); coding-DNA position 8517, one base deleted (G; older notation c.8517delG).
Protein change: p.Ser2840fs; shifts the reading frame from serine 2840.
Molecular consequence: frameshift variant.
Genome position (GRCh38, 1-based): chr8:99,818,784, G deleted; the last of 2 consecutive G bases (chr8:99,818,783-99,818,784); deleting either gives the same sequence. VCF-style (leftmost placement, unchanged base first): chr8-99818782-AG-A. GRCh37 (hg19) VCF-style: chr8-100831010-AG-A.
Other names: c.8592del, p.Ser2865fs (NM_017890.5); short protein forms S2865fs, S2840fs.
Identifiers: ClinVar variation 4998330 (VCV004998330.1).

ClinVar aggregate classification (germline): Likely pathogenic (1 of 4 stars; one submission).

Conditions:
VPS13B-related disorder. Also called: VPS13B-related condition.

Submission:

PreventionGenetics, part of Exact Sciences
Classification: Likely pathogenic for VPS13B-related condition. Last evaluated: 2025-07-16. Review status: criteria provided, single submitter. Criteria: ACMG Guidelines, 2015. Collection method: clinical testing. Allele origin: germline.
Comment: The VPS13B c.8517delG variant is predicted to result in a frameshift and premature protein termination (p.Ser2840Valfs*4). To our knowledge, this variant has not been reported in the literature or in a large population database (gnomAD), indicating this variant is rare. Frameshift variants in VPS13B are expected to be pathogenic. This variant is interpreted as likely pathogenic.